The following is an entry in ClinVar:

NM_020458.4(TTC7A):c.517+1G>A

Gene: TTC7A (tetratricopeptide repeat domain 7A; plus strand). Cytogenetic location: 2p21.
Variant type: single nucleotide variant.
Coding change: c.517+1G>A on transcript NM_020458.4 (MANE Select); the canonical splice donor site of the intron after coding-DNA position 517, G replaced by A.
Molecular consequence: splice donor variant.
Genome position (GRCh38, 1-based): chr2:46,957,008, G>A. VCF-style: chr2-46957008-G-A. GRCh37 (hg19) VCF-style: chr2-47184147-G-A.
Other names: c.415+1G>A (NM_001288953.2); c.517+1G>A (NM_001288951.2); c.-388+1G>A (NM_001288955.2).
Identifiers: ClinVar variation 2585625 (VCV002585625.1), dbSNP rs2104019844, ClinGen allele CA346718977.

ClinVar aggregate classification (germline): Likely pathogenic (1 of 4 stars; one submission).

Conditions:
Gastrointestinal defects and immunodeficiency syndrome 1 (GIDID1). Also called: Combined immunodeficiency-enteropathy spectrum. Identifiers: Orphanet 436252, MedGen C5968858, MONDO:0800030, OMIM 243150.

gnomAD v4.1: 2 of 1,614,108 alleles (0.00012%); highest among the groups gnomAD compares: Non-Finnish European, 0.00017%; no homozygotes.

Submission:

Neuberg Centre For Genomic Medicine, NCGM
Classification: Likely pathogenic for Gastrointestinal defects and immunodeficiency syndrome 1. Review status: criteria provided, single submitter. Criteria: ACMG Guidelines, 2015. Collection method: clinical testing. Allele origin: germline. Inheritance: Autosomal recessive inheritance. Affected: yes.
Comment: The c.517+1G>A splice donor variant in TTC7A gene has not been reported previously as a pathogenic variant nor as a benign variant, to our knowledge. The c.517+1G>A variant is novel (not in any individuals) in gnomAD Exomes and 1000 Genomes. Loss of function variants have been previously reported to be disease causing. For these reasons, this variant has been classified as Likely Pathogenic. In the absence of another reportable variant, the molecular diagnosis is not confirmed.